The following is an entry in ClinVar:

ClinVar aggregate classification (germline): Likely pathogenic (1 of 4 stars; one submission).

Conditions:
LAMA2-related muscular dystrophy (LAMA2-RD). Also called: Laminin alpha 2-related dystrophy. Identifiers: MedGen C5679788, MONDO:0100228.

Submission:

Myriad Genetics, Inc.
Classification: Likely pathogenic for LAMA2-related muscular dystrophy. Last evaluated: 2022-03-24. Review status: criteria provided, single submitter. Criteria: Myriad Autosomal Dominant, Autosomal Recessive and X-Linked Classification Criteria (2023). Collection method: clinical testing. Allele origin: unknown.
Comment: NM_000426.3(LAMA2):c.1686_1687insA(S563Ifs*9) is expected to be pathogenic in the context of muscular dystrophy, LAMA2-related. This variant is predicted to lead to an abnormal or absent protein product due to the creation of a premature termination codon in LAMA2, a gene where loss-of-function variants are known to be pathogenic. Please note: this variant was assessed in the context of healthy population screening.

NM_000426.4(LAMA2):c.1686_1687insA (p.Ser563fs)

Gene: LAMA2 (laminin subunit alpha 2; plus strand). Cytogenetic location: 6q22.33.
Variant type: Insertion.
Coding change: c.1686_1687insA on transcript NM_000426.4 (MANE Select); coding-DNA positions 1686 to 1687, A inserted.
Protein change: p.Ser563fs; shifts the reading frame from serine 563.
Molecular consequence: frameshift variant.
Genome position: GRCh38 VCF-style: chr6-129192757-C-CA. GRCh37 (hg19) VCF-style: chr6-129513902-C-CA.
Other names: c.1686_1687insA, p.Ser563fs (NM_001079823.2); short protein forms S563fs.
Identifiers: ClinVar variation 1725459 (VCV001725459.3), dbSNP rs2482776508, ClinGen allele CA2580074925.